The following is an entry in ClinVar:

NM_004714.3(DYRK1B):c.1140C>T (p.Gly380=)

Gene: DYRK1B (dual specificity tyrosine phosphorylation regulated kinase 1B; minus strand). Cytogenetic location: 19q13.2.
Variant type: single nucleotide variant.
Coding change: c.1140C>T on transcript NM_004714.3 (MANE Select); coding-DNA position 1140, C replaced by T.
Protein change: p.Gly380=; no amino-acid change (glycine 380 retained).
Molecular consequence: synonymous variant. On other transcripts: intron variant (2).
Genome position (GRCh38, 1-based): chr19:39,826,943, G>A on the plus strand (C>T on the coding strand, the complement: DYRK1B is on the minus strand). VCF-style: chr19-39826943-G-A. GRCh37 (hg19) VCF-style: chr19-40317583-G-A.
Other names: c.1096-76C>T (NM_006483.3); c.1131+9C>T (NM_006484.3).
Identifiers: ClinVar variation 4985758 (VCV004985758.1).
Genomic context (GRCh38, chr19:39,826,943, plus strand): 5'-GTCGGCGGGGCTGTGGCCCGGCTCCCCCGCCCGCCGGCCCCCGGGCCCGCCCGTCTGCAC[G>A]CCCAGCACCTCCTGCAGCCGCCGTGTCCCGGGGCCCTGGTAATCCTGGCAGGGAGGGGGT-3'
Protein context (NP_004705.1, residues 370-390): PGTRRLQEVL[Gly380=]VQTGGPGGRR

ClinVar aggregate classification (germline): Likely benign (1 of 4 stars; one submission).

Conditions:
DYRK1B-related disorder. Also called: DYRK1B-related condition.

gnomAD v4.1: 15 of 1,194,314 alleles (0.0013%); highest among the groups gnomAD compares: African/African-American, 0.0019%; no homozygotes.

Submission:

PreventionGenetics, part of Exact Sciences
Classification: Likely benign for DYRK1B-related condition. Last evaluated: 2024-12-31. Review status: criteria provided, single submitter. Criteria: ACMG Guidelines, 2015. Collection method: clinical testing. Allele origin: germline.
Comment: This variant is classified as likely benign based on ACMG/AMP sequence variant interpretation guidelines (Richards et al. 2015 PMID: 25741868, with internal and published modifications).